The following is an entry in ClinVar:

ClinVar aggregate classification (germline): Uncertain significance (1 of 4 stars; one submission).

Submission:

Labcorp Genetics (formerly Invitae), Labcorp
Classification: Uncertain significance. Last evaluated: 2023-12-07. Review status: criteria provided, single submitter. Criteria: Invitae Variant Classification Sherloc (09022015). Collection method: clinical testing. Allele origin: germline.
Comment: This sequence change replaces phenylalanine, which is neutral and non-polar, with leucine, which is neutral and non-polar, at codon 124 of the ASPM protein (p.Phe124Leu). This variant is not present in population databases (gnomAD no frequency). This variant has not been reported in the literature in individuals affected with ASPM-related conditions. ClinVar contains an entry for this variant (Variation ID: 1360998). Advanced modeling of protein sequence and biophysical properties (such as structural, functional, and spatial information, amino acid conservation, physicochemical variation, residue mobility, and thermodynamic stability) performed at Invitae indicates that this missense variant is not expected to disrupt ASPM protein function with a negative predictive value of 80%. In summary, the available evidence is currently insufficient to determine the role of this variant in disease. Therefore, it has been classified as a Variant of Uncertain Significance.

NM_018136.5(ASPM):c.370T>C (p.Phe124Leu)

Gene: ASPM (assembly factor for spindle microtubules; minus strand). Cytogenetic location: 1q31.3.
Variant type: single nucleotide variant.
Coding change: c.370T>C on transcript NM_018136.5 (MANE Select); coding-DNA position 370, T replaced by C.
Protein change: p.Phe124Leu; replaces phenylalanine 124 with leucine.
Molecular consequence: missense variant.
Genome position (GRCh38, 1-based): chr1:197,144,028, A>G on the plus strand (T>C on the coding strand, the complement: ASPM is on the minus strand). VCF-style: chr1-197144028-A-G. GRCh37 (hg19) VCF-style: chr1-197113158-A-G.
Other names: c.370T>C, p.Phe124Leu (NM_001206846.2); short protein forms F124L.
Identifiers: ClinVar variation 1360998 (VCV001360998.8), dbSNP rs764255993, ClinGen allele CA344021198.
Genomic context (GRCh38, chr1:197,144,028, plus strand): 5'-TCTGCTCTTCTGCATTTCCTAGTAATATAGCTTGGTGTTTCAGAACATCATTTACAAGAA[A>G]TGTCATAATCTCTCTTACTCGGCCTTCTTTGAGTGGTGTCCAGTTAACAGAAATAACAAT-3'
Protein context (NP_060606.3, residues 114-134): KEGRVREIMT[Phe124Leu]LVNDVLKHQA